The following is an entry in ClinVar:

NM_001356.5(DDX3X):c.887G>A (p.Arg296His)

Gene: DDX3X (DEAD-box helicase 3 X-linked; plus strand). Cytogenetic location: Xp11.4.
Variant type: single nucleotide variant.
Coding change: c.887G>A on transcript NM_001356.5 (MANE Select); coding-DNA position 887, G replaced by A.
Protein change: p.Arg296His; replaces arginine 296 with histidine.
Molecular consequence: missense variant. On other transcripts: non-coding transcript variant (1).
Genome position (GRCh38, 1-based): chrX:41,344,261, G>A. VCF-style: chrX-41344261-G-A. GRCh37 (hg19) VCF-style: chrX-41203514-G-A.
Other names: c.887G>A, p.Arg296His (NM_001193416.3); c.839G>A, p.Arg280His (NM_001193417.3); c.329G>A, p.Arg110His (NM_001363819.1); short protein forms R110H, R280H, R296H.
Identifiers: ClinVar variation 2572499 (VCV002572499.1), dbSNP rs1602132216, ClinGen allele CA412770692.
Genomic context (GRCh38, chrX:41,344,261, plus strand): 5'-TTTGACCTTGAAGTTCATAACATTTTTTTTGCTTATAGTTTTCATACCGATCTAGAGTTC[G>A]TCCTTGCGTGGTTTATGGTGGTGCCGATATTGGTCAGCAGATTCGAGACTTGGAACGTGG-3'
Protein context (NP_001347.3, residues 286-306): ARKFSYRSRV[Arg296His]PCVVYGGADI

ClinVar aggregate classification (germline): Likely pathogenic (1 of 4 stars; one submission).

Conditions:
Intellectual disability, X-linked 102 (MRXSSB). Also called: Intellectual developmental disorder, X-linked syndromic, Snijders Blok type. Identifiers: Orphanet 457260, MedGen C5393299, MONDO:0010497, OMIM 300958.

Allele frequency attached by ClinVar (database versions not stated): gnomAD exomes below 0.00001.
gnomAD v4.1: 1 of 1,211,222 alleles (0.000083%); highest among the groups gnomAD compares: Non-Finnish European, 0.00011%; no homozygotes.

Submission:

3billion
Classification: Likely pathogenic for Intellectual disability, X-linked 102. Review status: criteria provided, single submitter. Criteria: ACMG Guidelines, 2015. Collection method: clinical testing. Allele origin: unknown. Affected: yes. Observed: 1 heterozygote.
Comment: The variant is not observed in the gnomAD v2.1.1 dataset. The variant is located in a mutational hot spot and/or well-established functional domain in which established pathogenic variants have been reported. Missense changes are a common disease-causing mechanism. In silico tool predictions suggest damaging effect of the variant on gene or gene product (REVEL: 0.40; 3Cnet: 0.94). A different missense change at the same codon (p.Arg296Pro) has been reported to be associated with DDX3X related disorder (ClinVar ID: VCV000666341 / PMID: 30349862). Therefore, this variant is classified as Likely pathogenic according to the recommendation of ACMG/AMP guideline.

Literature cited by the submitters: PubMed 30349862.